The following is an entry in ClinVar:

NM_000081.4(LYST):c.1975T>C (p.Cys659Arg)

Gene: LYST (lysosomal trafficking regulator; minus strand). Cytogenetic location: 1q42.3.
Variant type: single nucleotide variant.
Coding change: c.1975T>C on transcript NM_000081.4 (MANE Select); coding-DNA position 1975, T replaced by C.
Protein change: p.Cys659Arg; replaces cysteine 659 with arginine.
Molecular consequence: missense variant.
Genome position (GRCh38, 1-based): chr1:235,808,843, A>G on the plus strand (T>C on the coding strand, the complement: LYST is on the minus strand). VCF-style: chr1-235808843-A-G. GRCh37 (hg19) VCF-style: chr1-235972143-A-G.
Other names: c.1975T>C, p.Cys659Arg (NM_001301365.1); c.1975T>C (NM_000081.2); short protein forms C659R.
Identifiers: ClinVar variation 836784 (VCV000836784.14), dbSNP rs772560535, ClinGen allele CA1467372.
Genomic context (GRCh38, chr1:235,808,843, plus strand): 5'-GCAGGATCCCTTGAAATCTGTAAGAAGGACTGGATAAACTTGAGGAGAGTTCAGCATCAC[A>G]TAAGTTTCCCTGCAGTGTCTCTTCTAATTGGGCTAGTTGGTCAGAGTCAACAGTACAAAT-3'
Protein context (NP_000072.2, residues 649-669): QLEETLQGNL[Cys659Arg]DAELSSSLSS

ClinVar aggregate classification (germline): Conflicting classifications of pathogenicity. Review status: criteria provided, conflicting classifications (1 of 4 stars). 4 submissions from 4 submitters: Uncertain significance (3); Likely benign (1). Last evaluated 2026-01-20.

Conditions:
Inborn genetic diseases. Identifiers: MedGen C0950123, MeSH D030342.
LYST-related disorder. Also called: LYST-related condition.
Chédiak-Higashi syndrome (CHS). Also called: Chediak-Higashi Syndrome. Identifiers: Orphanet 167, MedGen C0007965, MONDO:0008963, OMIM 214500.

Allele frequency attached by ClinVar (database versions not stated): gnomAD 0.00004.
gnomAD v4.1: 34 of 1,613,936 alleles (0.0021%); highest among the groups gnomAD compares: East Asian, 0.018%; no homozygotes.

Submissions (4):

Labcorp Genetics (formerly Invitae), Labcorp
Classification: Uncertain significance for Chédiak-Higashi syndrome. Last evaluated: 2026-01-20. Review status: criteria provided, single submitter. Criteria: Invitae Variant Classification Sherloc (09022015). Collection method: clinical testing. Allele origin: germline.
Comment: This sequence change replaces cysteine, which is neutral and slightly polar, with arginine, which is basic and polar, at codon 659 of the LYST protein (p.Cys659Arg). This variant is present in population databases (rs772560535, gnomAD 0.03%). This missense change has been observed in individual(s) with LYST-related conditions (PMID: 34170459). ClinVar contains an entry for this variant (Variation ID: 836784). An algorithm developed to predict the effect of missense changes on protein structure and function outputs the following: PolyPhen-2: "Benign". The arginine amino acid residue is found in multiple mammalian species, which suggests that this missense change does not adversely affect protein function. In summary, the available evidence is currently insufficient to determine the role of this variant in disease. Therefore, it has been classified as a Variant of Uncertain Significance.

PreventionGenetics, part of Exact Sciences
Classification: Uncertain significance for LYST-related condition. Last evaluated: 2026-01-16. Review status: criteria provided, single submitter. Criteria: ACMG Guidelines, 2015. Collection method: clinical testing. Allele origin: germline.
Comment: The LYST c.1975T>C variant is predicted to result in the amino acid substitution p.Cys659Arg. This variant was reported in an individual with Epstein-Barr virus associated hemophagocytic lymphohistiocytosis (EBV-HLH; Table S1, Guan et al. 2021. PubMed ID: 34170459). This variant is reported in 0.030% of alleles in individuals of East Asian descent in gnomAD. At this time, the clinical significance of this variant is uncertain due to the absence of conclusive functional and genetic evidence.

Ambry Genetics
Classification: Likely benign for Inborn genetic diseases. Last evaluated: 2021-07-20. Review status: criteria provided, single submitter. Criteria: Ambry Variant Classification Scheme 2023. Collection method: clinical testing. Allele origin: germline.

Illumina Laboratory Services, Illumina
Classification: Uncertain significance for Chédiak-Higashi syndrome. Last evaluated: 2018-01-15. Review status: criteria provided, single submitter. Criteria: ICSL Variant Classification Criteria 13 December 2019. Collection method: clinical testing. Allele origin: germline.

Literature cited by the submitters: PubMed 34170459 (cited by Labcorp Genetics (formerly Invitae), Labcorp).